The following is an entry in ClinVar:

ClinVar aggregate classification (germline): Likely benign. Review status: criteria provided, single submitter (1 of 4 stars). 2 submissions from 2 submitters: Likely benign (1). 1 of the submissions does not count toward it. Last evaluated 2025-11-10.

Conditions:
ABCA3-related disorder. Also called: ABCA3-related condition.

gnomAD v4.1: 38 of 1,613,394 alleles (0.0024%); highest among the groups gnomAD compares: Non-Finnish European, 0.0031%; no homozygotes.

Submissions (2):

Labcorp Genetics (formerly Invitae), Labcorp
Classification: Likely benign. Last evaluated: 2025-11-10. Review status: criteria provided, single submitter. Criteria: Invitae Variant Classification Sherloc (09022015). Collection method: clinical testing. Allele origin: germline.

PreventionGenetics, part of Exact Sciences
Classification: Likely benign for ABCA3-related condition. Last evaluated: 2019-06-25. Review status: no assertion criteria provided. Collection method: clinical testing. Allele origin: germline. Not counted in ClinVar's aggregate classification.
Comment: This variant is classified as likely benign based on ACMG/AMP sequence variant interpretation guidelines (Richards et al. 2015 PMID: 25741868, with internal and published modifications).

NM_001089.3(ABCA3):c.2199C>A (p.Ile733=)

Gene: ABCA3 (ATP binding cassette subfamily A member 3; minus strand). Cytogenetic location: 16p13.3.
Variant type: single nucleotide variant.
Coding change: c.2199C>A on transcript NM_001089.3 (MANE Select); coding-DNA position 2199, C replaced by A.
Protein change: p.Ile733=; no amino-acid change (isoleucine 733 retained).
Molecular consequence: synonymous variant.
Genome position (GRCh38, 1-based): chr16:2,297,393, G>T on the plus strand (C>A on the coding strand, the complement: ABCA3 is on the minus strand). VCF-style: chr16-2297393-G-T. GRCh37 (hg19) VCF-style: chr16-2347394-G-T.
Other names: c.2199C>A (NM_001089.2).
Identifiers: ClinVar variation 2909683 (VCV002909683.5), dbSNP rs138901284, ClinGen allele CA276829483.